The following is an entry in ClinVar:

ClinVar aggregate classification (germline): Likely pathogenic (1 of 4 stars; one submission).

Conditions:
Psychomotor retardation, epilepsy, and craniofacial dysmorphism (NEDHCS). Also called: NEURODEVELOPMENTAL DISORDER WITH HYPOTONIA, CRANIOFACIAL ABNORMALITIES, AND SEIZURES. Identifiers: MedGen C3281055, MONDO:0013787, OMIM 614501.

Submission:

Diagnostics Services (NGS), CSIR - Centre For Cellular And Molecular Biology
Classification: Likely pathogenic for Psychomotor retardation, epilepsy, and craniofacial dysmorphism. Last evaluated: 2024-06-11. Review status: criteria provided, single submitter. Criteria: ACMG Guidelines, 2015. Collection method: clinical testing. Allele origin: unknown. Observed: 1 variant allele, 1 heterozygote.
Comment: The c.445C>T variant is not present in publicly available population databases like 1000 Genomes, EVS, gnomAD, ExAC, Indian Exome Database or our in-house exome database. The variant has neither been observed in affected individuals nor been reported to the clinical databases like ClinVar, Human Genome Mutation Database (HGMD) or OMIM. In silico pathogenicity prediction programs like MutationTaster2, CADD, Varsome, Franklin, InterVar etc predicted this variant to be likely deleterious. This variant creates a premature translational stop signal at the 49th amino acid position of the wild-type transcript that may either result in translation of a truncated protein or cause nonsense mediated decay of the mRNA.

NM_024700.4(SNIP1):c.445C>T (p.Gln149Ter)

Genes: SNIP1 (Smad nuclear interacting protein 1; minus strand), LOC126805704 (BRD4-independent group 4 enhancer GRCh37_chr1:38005292-38006491; plus strand). Cytogenetic location: 1p34.3.
Variant type: single nucleotide variant.
Coding change: c.445C>T on transcript NM_024700.4 (MANE Select); coding-DNA position 445, C replaced by T.
Protein change: p.Gln149Ter; replaces glutamine 149 with a stop codon.
Molecular consequence: nonsense.
Genome position (GRCh38, 1-based): chr1:37,540,638, G>A on the plus strand (C>T on the coding strand, the complement: SNIP1 is on the minus strand). VCF-style: chr1-37540638-G-A. GRCh37 (hg19) VCF-style: chr1-38006239-G-A.
Other names: short protein forms Q149*.
Identifiers: ClinVar variation 3251991 (VCV003251991.1), dbSNP rs2522349649.